The following is an entry in ClinVar:

NM_001375524.1(TRRAP):c.11546T>G (p.Val3849Gly)

Gene: TRRAP (transformation/transcription domain associated protein; plus strand). Cytogenetic location: 7q22.1.
Variant type: single nucleotide variant.
Coding change: c.11546T>G on transcript NM_001375524.1 (MANE Select); coding-DNA position 11546, T replaced by G.
Protein change: p.Val3849Gly; replaces valine 3849 with glycine.
Molecular consequence: missense variant.
Genome position (GRCh38, 1-based): chr7:99,012,279, T>G. VCF-style: chr7-99012279-T-G. GRCh37 (hg19) VCF-style: chr7-98609902-T-G.
Other names: c.11504T>G, p.Val3835Gly (NM_001244580.2); c.11417T>G, p.Val3806Gly (NM_003496.4); short protein forms V3806G, V3835G, V3849G.
Identifiers: ClinVar variation 3360989 (VCV003360989.1).

ClinVar aggregate classification (germline): Uncertain significance (1 of 4 stars; one submission).

Submission:

GeneDx
Classification: Uncertain significance. Last evaluated: 2023-07-19. Review status: criteria provided, single submitter. Criteria: GeneDx Variant Classification Process June 2021. Collection method: clinical testing. Allele origin: germline. Affected: yes.
Comment: Not observed at significant frequency in large population cohorts (gnomAD); In silico analysis supports that this missense variant has a deleterious effect on protein structure/function; Has not been previously published as pathogenic or benign to our knowledge